The following is an entry in ClinVar:

ClinVar aggregate classification (germline): Likely benign (1 of 4 stars; one submission).

Submission:

GeneDx
Classification: Likely benign. Last evaluated: 2017-09-25. Review status: criteria provided, single submitter. Criteria: GeneDx Variant Classification (06012015). Collection method: clinical testing. Allele origin: germline. Affected: yes.
Comment: This variant is considered likely benign or benign based on one or more of the following criteria: it is a conservative change, it occurs at a poorly conserved position in the protein, it is predicted to be benign by multiple in silico algorithms, and/or has population frequency not consistent with disease.

NM_005138.3(SCO2):c.597C>A (p.Ala199=)

Genes: NCAPH2 (non-SMC condensin II complex subunit H2; plus strand), SCO2 (synthesis of cytochrome C oxidase 2; minus strand). Cytogenetic location: 22q13.33.
Variant type: single nucleotide variant.
Coding change: c.597C>A on transcript NM_005138.3 (MANE Select); coding-DNA position 597, C replaced by A.
Protein change: p.Ala199=; no amino-acid change (alanine 199 retained).
Molecular consequence: synonymous variant. On other transcripts: 3 prime UTR variant (2).
Genome position (GRCh38, 1-based): chr22:50,523,815, G>T on the plus strand (C>A on the coding strand, the complement: SCO2 is on the minus strand). VCF-style: chr22-50523815-G-T. GRCh37 (hg19) VCF-style: chr22-50962244-G-T.
Other names: c.*440G>T (NM_001185011.2, NM_152299.4); c.597C>A, p.Ala199= (NM_001169109.2, NM_001169110.1, NM_001169111.2).
Identifiers: ClinVar variation 506294 (VCV000506294.1), dbSNP rs1556483114, ClinGen allele CA515387080.